The following is an entry in ClinVar:

NM_005859.5(PURA):c.114_122del (p.Gly40_Gly42del)

Gene: PURA (purine rich element binding protein A; plus strand). Cytogenetic location: 5q31.3.
Variant type: Deletion.
Coding change: c.114_122del on transcript NM_005859.5 (MANE Select); coding-DNA positions 114 to 122, 9 bases deleted (GGGCGGCGG; older notation c.114_122delGGGCGGCGG).
Protein change: p.Gly40_Gly42del.
Molecular consequence: inframe deletion.
Genome position (GRCh38, 1-based): chr5:140,114,295-140,114,303, GGGCGGCGG deleted; deleting any 9 consecutive bases within chr5:140,114,287-140,114,303 gives the same sequence; the c. name uses the placement nearest the transcript's 3' end. VCF-style (leftmost placement, unchanged base first): chr5-140114286-TGGCGGCGGG-T. GRCh37 (hg19) VCF-style: chr5-139493871-TGGCGGCGGG-T.
Other names: c.114_122del9 (NM_005859.4); c.114_122del (NM_005859.4).
Identifiers: ClinVar variation 577175 (VCV000577175.46), dbSNP rs761730239, ClinGen allele CA3437413.
Genomic context (GRCh38, chr5:140,114,286, plus strand): 5'-GGGTTCGGGCGGCTCCCTGGGGCACCCCGGCTCGGGCTCAGGCTCCGGCGGGGGCGGTGG[TGGCGGCGGG>T]GGCGGCGGCGGCAGTGGCGGCGGCGGCGGCGGGGCCCCAGGGGGGCTGCAGCACGAGACG-3'

ClinVar aggregate classification (germline): Likely benign. Review status: criteria provided, multiple submitters, no conflicts (2 of 4 stars). 7 submissions from 7 submitters: Likely benign (7). Last evaluated 2026-02-12.

Conditions:
PURA-related disorder. Also called: PURA-related condition.
Inborn genetic diseases. Identifiers: MedGen C0950123, MeSH D030342.
PURA-related severe neonatal hypotonia-seizures-encephalopathy syndrome (NEDRIHF). Also called: PURA-Related Neurodevelopmental Disorders; NEURODEVELOPMENTAL DISORDER WITH NEONATAL RESPIRATORY INSUFFICIENCY, HYPOTONIA, AND FEEDING DIFFICULTIES. Identifiers: Orphanet 438213, Orphanet 438216, MedGen C4015357, MONDO:1060108, OMIM 616158, MONDO:0018580.

Submissions (7):

PreventionGenetics, part of Exact Sciences
Classification: Likely benign for PURA-related condition. Last evaluated: 2026-02-12. Review status: criteria provided, single submitter. Criteria: ACMG Guidelines, 2015. Collection method: clinical testing. Allele origin: germline.
Comment: This variant is classified as likely benign based on ACMG/AMP sequence variant interpretation guidelines (Richards et al. 2015 PMID: 25741868, with internal and published modifications).

Labcorp Genetics (formerly Invitae), Labcorp
Classification: Likely benign for PURA-related severe neonatal hypotonia-seizures-encephalopathy syndrome. Last evaluated: 2026-01-26. Review status: criteria provided, single submitter. Criteria: Invitae Variant Classification Sherloc (09022015). Collection method: clinical testing. Allele origin: germline.

CeGaT Center for Human Genetics Tuebingen
Classification: Likely benign. Last evaluated: 2025-10-01. Review status: criteria provided, single submitter. Criteria: CeGaT Center For Human Genetics Tuebingen Variant Classification Criteria Version 2. Collection method: clinical testing. Allele origin: germline. Affected: yes. Observed: 3 variant alleles.
Comment: PURA: BP3

Blueprint Genetics
Classification: Likely benign. Last evaluated: 2024-10-18. Review status: criteria provided, single submitter. Criteria: ACMG Guidelines, 2015. Collection method: clinical testing. Allele origin: germline.

Department of Pathology and Laboratory Medicine, Sinai Health System
Classification: Likely benign for PURA-related severe neonatal hypotonia-seizures-encephalopathy syndrome. Last evaluated: 2022-02-14. Review status: criteria provided, single submitter. Criteria: ACMG Guidelines, 2015. Collection method: research. Allele origin: germline.

GeneDx
Classification: Likely benign. Last evaluated: 2021-11-30. Review status: criteria provided, single submitter. Criteria: GeneDx Variant Classification Process June 2021. Collection method: clinical testing. Allele origin: germline. Affected: yes.

Ambry Genetics
Classification: Likely benign for Inborn genetic diseases. Last evaluated: 2017-09-22. Review status: criteria provided, single submitter. Criteria: Ambry Variant Classification Scheme 2023. Collection method: clinical testing. Allele origin: germline.